The following is an entry in ClinVar:

ClinVar aggregate classification (germline): Uncertain significance. Review status: criteria provided, multiple submitters, no conflicts (2 of 4 stars). 2 submissions from 2 submitters: Uncertain significance (2). Last evaluated 2024-01-09.

Conditions:
Inborn genetic diseases. Identifiers: MedGen C0950123, MeSH D030342.

Allele frequency attached by ClinVar (database versions not stated): gnomAD exomes 0.00001 and 0.00002; ExAC 0.00002.
gnomAD v4.1: 15 of 1,614,122 alleles (0.00093%); highest among the groups gnomAD compares: South Asian, 0.0066%; no homozygotes.

Submissions (2):

Ambry Genetics
Classification: Uncertain significance for Inborn genetic diseases. Last evaluated: 2024-01-09. Review status: criteria provided, single submitter. Criteria: Ambry Variant Classification Scheme 2023. Collection method: clinical testing. Allele origin: germline.

Labcorp Genetics (formerly Invitae), Labcorp
Classification: Uncertain significance. Last evaluated: 2022-11-01. Review status: criteria provided, single submitter. Criteria: Invitae Variant Classification Sherloc (09022015). Collection method: clinical testing. Allele origin: germline.
Comment: This sequence change replaces arginine, which is basic and polar, with cysteine, which is neutral and slightly polar, at codon 2796 of the LRP2 protein (p.Arg2796Cys). This variant is present in population databases (rs752903782, gnomAD 0.01%). This variant has not been reported in the literature in individuals affected with LRP2-related conditions. ClinVar contains an entry for this variant (Variation ID: 1469406). Algorithms developed to predict the effect of missense changes on protein structure and function are either unavailable or do not agree on the potential impact of this missense change (SIFT: "Deleterious"; PolyPhen-2: "Possibly Damaging"; Align-GVGD: "Class C0"). In summary, the available evidence is currently insufficient to determine the role of this variant in disease. Therefore, it has been classified as a Variant of Uncertain Significance.

NM_004525.3(LRP2):c.8386C>T (p.Arg2796Cys)

Gene: LRP2 (LDL receptor related protein 2; minus strand). Cytogenetic location: 2q31.1.
Variant type: single nucleotide variant.
Coding change: c.8386C>T on transcript NM_004525.3 (MANE Select); coding-DNA position 8386, C replaced by T.
Protein change: p.Arg2796Cys; replaces arginine 2796 with cysteine.
Molecular consequence: missense variant.
Genome position (GRCh38, 1-based): chr2:169,201,694, G>A on the plus strand (C>T on the coding strand, the complement: LRP2 is on the minus strand). VCF-style: chr2-169201694-G-A. GRCh37 (hg19) VCF-style: chr2-170058204-G-A.
Other names: c.8386C>T (NM_004525.2); short protein forms R2796C.
Identifiers: ClinVar variation 1469406 (VCV001469406.6), dbSNP rs752903782, ClinGen allele CA1953875.
Genomic context (GRCh38, chr2:169,201,694, plus strand): 5'-TTTTCTCATCTGAAGTGTTATTATCATGGCAGTTGTCTACACCATTGCAGATAAACTCAC[G>A]AGGTATGCACCTTCTGTTATTGCACATAAACTCCGTGGTGGCATTGCAGTCCCTGAACAG-3'
Protein context (NP_004516.2, residues 2786-2806): FMCNNRRCIP[Arg2796Cys]EFICNGVDNC